The following is an entry in ClinVar:

NM_004589.4(SCO1):c.22C>T (p.Pro8Ser)

Genes: SCO1 (synthesis of cytochrome C oxidase 1; minus strand), LOC112529895 (Sharpr-MPRA regulatory region 5903; plus strand). Cytogenetic location: 17p13.1.
Variant type: single nucleotide variant.
Coding change: c.22C>T on transcript NM_004589.4 (MANE Select); coding-DNA position 22, C replaced by T.
Protein change: p.Pro8Ser; replaces proline 8 with serine.
Molecular consequence: missense variant.
Genome position (GRCh38, 1-based): chr17:10,697,486, G>A on the plus strand (C>T on the coding strand, the complement: SCO1 is on the minus strand). VCF-style: chr17-10697486-G-A. GRCh37 (hg19) VCF-style: chr17-10600803-G-A.
Other names: c.22C>T (NM_004589.2); short protein forms P8S.
Identifiers: ClinVar variation 1428351 (VCV001428351.8), dbSNP rs370809239, ClinGen allele CA8393730.

ClinVar aggregate classification (germline): Conflicting classifications of pathogenicity. Review status: criteria provided, conflicting classifications (1 of 4 stars). 2 submissions from 2 submitters: Uncertain significance (1); Likely benign (1). Last evaluated 2025-03-24.

Conditions:
Inborn genetic diseases. Identifiers: MedGen C0950123, MeSH D030342.

Allele frequency attached by ClinVar (database versions not stated): gnomAD 0.00001; gnomAD exomes 0.00002 and 0.00003; TOPMed 0.00002; ExAC 0.00003; ESP Exome Variant Server 0.00008.

Submissions (2):

Ambry Genetics
Classification: Likely benign for Inborn genetic diseases. Last evaluated: 2025-03-24. Review status: criteria provided, single submitter. Criteria: Ambry Variant Classification Scheme 2023. Collection method: clinical testing. Allele origin: germline.

Labcorp Genetics (formerly Invitae), Labcorp
Classification: Uncertain significance. Last evaluated: 2025-02-26. Review status: criteria provided, single submitter. Criteria: Invitae Variant Classification Sherloc (09022015). Collection method: clinical testing. Allele origin: germline.
Comment: This sequence change replaces proline, which is neutral and non-polar, with serine, which is neutral and polar, at codon 8 of the SCO1 protein (p.Pro8Ser). This variant is present in population databases (rs370809239, gnomAD 0.004%). This variant has not been reported in the literature in individuals affected with SCO1-related conditions. ClinVar contains an entry for this variant (Variation ID: 1428351). An algorithm developed to predict the effect of missense changes on protein structure and function outputs the following: PolyPhen-2: "Benign". The serine amino acid residue is found in multiple mammalian species, which suggests that this missense change does not adversely affect protein function. In summary, the available evidence is currently insufficient to determine the role of this variant in disease. Therefore, it has been classified as a Variant of Uncertain Significance.